The following is an entry in ClinVar:

NM_001080467.3(MYO5B):c.5189A>T (p.Gln1730Leu)

Genes: MYO5B (myosin VB; minus strand), SNHG22 (small nucleolar RNA host gene 22; plus strand). Cytogenetic location: 18q21.1.
Variant type: single nucleotide variant.
Coding change: c.5189A>T on transcript NM_001080467.3 (MANE Select); coding-DNA position 5189, A replaced by T.
Protein change: p.Gln1730Leu; replaces glutamine 1730 with leucine.
Molecular consequence: missense variant.
Genome position (GRCh38, 1-based): chr18:49,836,835, T>A on the plus strand (A>T on the coding strand, the complement: MYO5B is on the minus strand). VCF-style: chr18-49836835-T-A. GRCh37 (hg19) VCF-style: chr18-47363205-T-A.
Other names: short protein forms Q1730L.
Identifiers: ClinVar variation 1489103 (VCV001489103.6), dbSNP rs2144030861, ClinGen allele CA402420326.

ClinVar aggregate classification (germline): Uncertain significance (1 of 4 stars; one submission).

Submission:

Labcorp Genetics (formerly Invitae), Labcorp
Classification: Uncertain significance. Last evaluated: 2021-09-07. Review status: criteria provided, single submitter. Criteria: Invitae Variant Classification Sherloc (09022015). Collection method: clinical testing. Allele origin: germline.
Comment: This variant has not been reported in the literature in individuals affected with MYO5B-related conditions. Algorithms developed to predict the effect of missense changes on protein structure and function (SIFT, PolyPhen-2, Align-GVGD) all suggest that this variant is likely to be tolerated. In summary, the available evidence is currently insufficient to determine the role of this variant in disease. Therefore, it has been classified as a Variant of Uncertain Significance. This variant is not present in population databases (ExAC no frequency). This sequence change replaces glutamine with leucine at codon 1730 of the MYO5B protein (p.Gln1730Leu). The glutamine residue is moderately conserved and there is a moderate physicochemical difference between glutamine and leucine.